The following is an entry in ClinVar:

NM_004304.5(ALK):c.3243C>A (p.Ser1081Arg)

Gene: ALK (ALK receptor tyrosine kinase; minus strand). Cytogenetic location: 2p23.2.
Variant type: single nucleotide variant.
Coding change: c.3243C>A on transcript NM_004304.5 (MANE Select); coding-DNA position 3243, C replaced by A.
Protein change: p.Ser1081Arg; replaces serine 1081 with arginine.
Molecular consequence: missense variant.
Genome position (GRCh38, 1-based): chr2:29,223,458, G>T on the plus strand (C>A on the coding strand, the complement: ALK is on the minus strand). VCF-style: chr2-29223458-G-T. GRCh37 (hg19) VCF-style: chr2-29446324-G-T.
Other names: c.39C>A, p.Ser13Arg (NM_001353765.2); short protein forms S1081R, S13R.
Identifiers: ClinVar variation 947113 (VCV000947113.9), dbSNP rs1669864463, ClinGen allele CA346465304.

ClinVar aggregate classification (germline): Uncertain significance (1 of 4 stars; one submission).

Conditions:
Neuroblastoma, susceptibility to, 3. Also called: ALK-Related Neuroblastic Tumor Susceptibility. Identifiers: Orphanet 635, MedGen C2751681, MONDO:0013083, OMIM 613014.

Submission:

Labcorp Genetics (formerly Invitae), Labcorp
Classification: Uncertain significance for Neuroblastoma, susceptibility to, 3. Last evaluated: 2025-02-26. Review status: criteria provided, single submitter. Criteria: Invitae Variant Classification Sherloc (09022015). Collection method: clinical testing. Allele origin: germline.
Comment: This sequence change replaces serine, which is neutral and polar, with arginine, which is basic and polar, at codon 1081 of the ALK protein (p.Ser1081Arg). This variant is not present in population databases (gnomAD no frequency). This variant has not been reported in the literature in individuals affected with ALK-related conditions. ClinVar contains an entry for this variant (Variation ID: 947113). An algorithm developed to predict the effect of missense changes on protein structure and function (PolyPhen-2) suggests that this variant is likely to be disruptive. In summary, the available evidence is currently insufficient to determine the role of this variant in disease. Therefore, it has been classified as a Variant of Uncertain Significance.